The following is an entry in ClinVar:

NM_000404.4(GLB1):c.518T>C (p.Leu173Pro)

Gene: GLB1 (galactosidase beta 1; minus strand). Cytogenetic location: 3p22.3.
Variant type: single nucleotide variant.
Coding change: c.518T>C on transcript NM_000404.4 (MANE Select); coding-DNA position 518, T replaced by C.
Protein change: p.Leu173Pro; replaces leucine 173 with proline.
Molecular consequence: missense variant. On other transcripts: synonymous variant (1).
Genome position (GRCh38, 1-based): chr3:33,065,497, A>G on the plus strand (T>C on the coding strand, the complement: GLB1 is on the minus strand). VCF-style: chr3-33065497-A-G. GRCh37 (hg19) VCF-style: chr3-33106989-A-G.
Other names: c.428T>C, p.Leu143Pro (NM_001079811.3); c.306T>C, p.Pro102= (NM_001135602.3); c.662T>C, p.Leu221Pro (NM_001317040.2); c.518T>C, p.Leu173Pro (NM_001393580.1); c.518T>C (NM_000404.3); short protein forms L173P, L143P, L221P.
Identifiers: ClinVar variation 68479 (VCV000068479.7), dbSNP rs397515617, ClinGen allele CA145200.

ClinVar aggregate classification (germline): Pathogenic/Likely pathogenic. Review status: criteria provided, multiple submitters, no conflicts (2 of 4 stars). 4 submissions from 4 submitters: Pathogenic (1); Likely pathogenic (2). 1 of the submissions does not count toward it. Last evaluated 2025-10-10.

Conditions:
Mucopolysaccharidosis, MPS-IV-B (MPS4B). Also called: Mucopolysaccharidosis Type IVB (Morquio B Disease); Mucopolysaccharidosis type 4B; Mucopolysaccharidosis type IVB (Morquio); MPS IVB; Mucopolysaccharidosis type IV B; MORQUIO SYNDROME B. Identifiers: Orphanet 309310, Orphanet 582, MedGen C0086652, MONDO:0009660, OMIM 253010.
GM1 gangliosidosis type 3. Also called: GANGLIOSIDOSIS, GENERALIZED GM1, ADULT TYPE; GANGLIOSIDOSIS, GENERALIZED GM1, CHRONIC TYPE; GANGLIOSIDOSIS, GENERALIZED GM1, TYPE III; Beta-galactosidase deficiency; Adult GM1 gangliosidosis; Type 3 (adult) GM1 gangliosidosis. Identifiers: Orphanet 79257, MedGen C0268273, MONDO:0009262, OMIM 230650.
GM1 gangliosidosis type 2. Also called: GANGLIOSIDOSIS, GENERALIZED GM1, JUVENILE TYPE; GANGLIOSIDOSIS, GENERALIZED GM1, TYPE II; Juvenile GM>1< gangliosidosis; Gangliosidosis, Generalized GM1, Type 2; GM1-GANGLIOSIDOSIS, TYPE II. Identifiers: Orphanet 354, Orphanet 79256, MedGen C0268272, MONDO:0009261, OMIM 230600.
Infantile GM1 gangliosidosis. Also called: GM1-gangliosidosis, type I; Gangliosidosis, generalized GM1, infantile form; GLB1 deficiency; GM1 gangliosidosis type 1; Gangliosidosis, Generalized GM1, Type 1. Identifiers: Orphanet 354, Orphanet 79255, MedGen C0268271, MONDO:0009260, OMIM 230500.
GM1 gangliosidosis. Identifiers: Orphanet 354, MedGen C0085131, MONDO:0018149.

Allele frequency attached by ClinVar (database versions not stated): TOPMed below 0.00001.

Submissions (4):

Natera, Inc.
Classification: Likely pathogenic for Mucopolysaccharidosis, MPS-IV-B. Last evaluated: 2025-10-10. Review status: criteria provided, single submitter. Criteria: Natera Variant Classification Schema (03/2026). Collection method: clinical testing. Allele origin: germline.
Comment: The c.518T>C variant in GLB1 is a missense variant predicted to cause substitution of leucine to proline at amino acid 173. This variant is rare in the general population with a frequency below the threshold expected for the associated phenotype(s). This variant has been observed in one or more individuals affected with the associated recessive disease, as either homozygous or compound heterozygous with a second variant (PMID: 16941474). Functional studies show that this variant may disrupt protein function (PMID: 17664528). Computational prediction algorithms indicate this variant is likely to affect gene or protein function. Given the available evidence, this variant is classified as Likely Pathogenic.

Fulgent Genetics
Classification: Likely pathogenic for Infantile GM1 gangliosidosis; GM1 gangliosidosis type 2; GM1 gangliosidosis type 3; Mucopolysaccharidosis, MPS-IV-B. Last evaluated: 2024-02-13. Review status: criteria provided, single submitter. Criteria: ACMG Guidelines, 2015. Collection method: clinical testing. Allele origin: germline.

Labcorp Genetics (formerly Invitae), Labcorp
Classification: Pathogenic for Mucopolysaccharidosis, MPS-IV-B; GM1 gangliosidosis. Last evaluated: 2023-05-22. Review status: criteria provided, single submitter. Criteria: Invitae Variant Classification Sherloc (09022015). Collection method: clinical testing. Allele origin: germline.
Comment: For these reasons, this variant has been classified as Pathogenic. Experimental studies have shown that this missense change affects GLB1 function (PMID: 17664528). Advanced modeling of protein sequence and biophysical properties (such as structural, functional, and spatial information, amino acid conservation, physicochemical variation, residue mobility, and thermodynamic stability) performed at Invitae indicates that this missense variant is expected to disrupt GLB1 protein function. This sequence change replaces leucine, which is neutral and non-polar, with proline, which is neutral and non-polar, at codon 173 of the GLB1 protein (p.Leu173Pro). ClinVar contains an entry for this variant (Variation ID: 68479). This missense change has been observed in individuals with mucopolysaccharidosis (PMID: 16941474; Invitae). This variant is not present in population databases (gnomAD no frequency).

Laboratory of Molecular Genetics MedGen
No classification provided. Condition: Juvenile GM>1< gangliosidosis. Review status: no classification provided. Collection method: not provided. Allele origin: somatic. Not counted in ClinVar's aggregate classification.

Literature cited by the submitters: PubMed 16941474 (cited by Natera, Inc. and Labcorp Genetics (formerly Invitae), Labcorp); PubMed 17664528 (cited by Natera, Inc. and Labcorp Genetics (formerly Invitae), Labcorp).